The following is an entry in ClinVar:

NM_004984.4(KIF5A):c.1814G>A (p.Cys605Tyr)

Gene: KIF5A (kinesin family member 5A; plus strand). Cytogenetic location: 12q13.3.
Variant type: single nucleotide variant.
Coding change: c.1814G>A on transcript NM_004984.4 (MANE Select); coding-DNA position 1814, G replaced by A.
Protein change: p.Cys605Tyr; replaces cysteine 605 with tyrosine.
Molecular consequence: missense variant.
Genome position (GRCh38, 1-based): chr12:57,575,181, G>A. VCF-style: chr12-57575181-G-A. GRCh37 (hg19) VCF-style: chr12-57968964-G-A.
Other names: c.1547G>A, p.Cys516Tyr (NM_001354705.2); short protein forms C516Y, C605Y.
Identifiers: ClinVar variation 3690490 (VCV003690490.2).

ClinVar aggregate classification (germline): Uncertain significance (1 of 4 stars; one submission).

Conditions:
Spastic paraplegia. Identifiers: MedGen C0037772, HP:0001258.

Submission:

Labcorp Genetics (formerly Invitae), Labcorp
Classification: Uncertain significance for Spastic paraplegia. Last evaluated: 2024-12-15. Review status: criteria provided, single submitter. Criteria: Invitae Variant Classification Sherloc (09022015). Collection method: clinical testing. Allele origin: germline.
Comment: This sequence change replaces cysteine, which is neutral and slightly polar, with tyrosine, which is neutral and polar, at codon 605 of the KIF5A protein (p.Cys605Tyr). This variant is not present in population databases (gnomAD no frequency). This variant has not been reported in the literature in individuals affected with KIF5A-related conditions. Invitae Evidence Modeling of protein sequence and biophysical properties (such as structural, functional, and spatial information, amino acid conservation, physicochemical variation, residue mobility, and thermodynamic stability) has been performed for this missense variant. However, the output from this modeling did not meet the statistical confidence thresholds required to predict the impact of this variant on KIF5A protein function. In summary, the available evidence is currently insufficient to determine the role of this variant in disease. Therefore, it has been classified as a Variant of Uncertain Significance.